The following is an entry in ClinVar:

NM_001206927.2(DNAH8):c.7015C>T (p.His2339Tyr)

Gene: DNAH8 (dynein axonemal heavy chain 8; plus strand). Cytogenetic location: 6p21.2.
Variant type: single nucleotide variant.
Coding change: c.7015C>T on transcript NM_001206927.2 (MANE Select); coding-DNA position 7015, C replaced by T.
Protein change: p.His2339Tyr; replaces histidine 2339 with tyrosine.
Molecular consequence: missense variant.
Genome position (GRCh38, 1-based): chr6:38,872,560, C>T. VCF-style: chr6-38872560-C-T. GRCh37 (hg19) VCF-style: chr6-38840336-C-T.
Other names: c.6364C>T, p.His2122Tyr (NM_001371.4); short protein forms H2339Y, H2122Y.
Identifiers: ClinVar variation 525322 (VCV000525322.12), dbSNP rs373404092, ClinGen allele CA3789813.

ClinVar aggregate classification (germline): Uncertain significance. Review status: criteria provided, multiple submitters, no conflicts (2 of 4 stars). 2 submissions from 2 submitters: Uncertain significance (2). Last evaluated 2025-08-11.

Conditions:
Primary ciliary dyskinesia. Also called: Ciliary dyskinesia. Identifiers: Orphanet 244, MedGen C0008780, MONDO:0016575, HP:0012265.

Allele frequency attached by ClinVar (database versions not stated): gnomAD exomes 0.00002 and 0.00003; gnomAD 0.00003 and 0.00004; TOPMed 0.00004; ExAC 0.00005; ESP Exome Variant Server 0.00008.
gnomAD v4.1: 43 of 1,613,904 alleles (0.0027%); highest among the groups gnomAD compares: Non-Finnish European, 0.0035%; no homozygotes.

Submissions (2):

Labcorp Genetics (formerly Invitae), Labcorp
Classification: Uncertain significance for Primary ciliary dyskinesia. Last evaluated: 2025-08-11. Review status: criteria provided, single submitter. Criteria: Invitae Variant Classification Sherloc (09022015). Collection method: clinical testing. Allele origin: germline.
Comment: This sequence change replaces histidine, which is basic and polar, with tyrosine, which is neutral and polar, at codon 2339 of the DNAH8 protein (p.His2339Tyr). This variant is present in population databases (rs373404092, gnomAD 0.006%). This variant has not been reported in the literature in individuals affected with DNAH8-related conditions. ClinVar contains an entry for this variant (Variation ID: 525322). Invitae Evidence Modeling of protein sequence and biophysical properties (such as structural, functional, and spatial information, amino acid conservation, physicochemical variation, residue mobility, and thermodynamic stability) indicates that this missense variant is expected to disrupt DNAH8 protein function with a positive predictive value of 80%. In summary, the available evidence is currently insufficient to determine the role of this variant in disease. Therefore, it has been classified as a Variant of Uncertain Significance.

Blueprint Genetics
Classification: Uncertain significance. Last evaluated: 2024-07-16. Review status: criteria provided, single submitter. Criteria: ACMG Guidelines, 2015. Collection method: clinical testing. Allele origin: germline.